The following is an entry in ClinVar:

NM_001358530.2(MOCS1):c.1868T>C (p.Ile623Thr)

Gene: MOCS1 (molybdenum cofactor synthesis 1; minus strand). Cytogenetic location: 6p21.2.
Variant type: single nucleotide variant.
Coding change: c.1868T>C on transcript NM_001358530.2 (MANE Select); coding-DNA position 1868, T replaced by C.
Protein change: p.Ile623Thr; replaces isoleucine 623 with threonine.
Molecular consequence: missense variant. On other transcripts: 3 prime UTR variant (4), non-coding transcript variant (1).
Genome position (GRCh38, 1-based): chr6:39,906,400, A>G on the plus strand (T>C on the coding strand, the complement: MOCS1 is on the minus strand). VCF-style: chr6-39906400-A-G. GRCh37 (hg19) VCF-style: chr6-39874176-A-G.
Other names: c.*725T>C (NM_001075098.4, NM_001358533.2, NM_001358534.2 and 1 more transcripts); c.1820T>C, p.Ile607Thr (NM_001358529.2); c.1607T>C, p.Ile536Thr (NM_001358531.2); short protein forms I536T, I607T, I623T.
Identifiers: ClinVar variation 2093199 (VCV002093199.4), dbSNP rs1184835713, ClinGen allele CA364038630.

ClinVar aggregate classification (germline): Uncertain significance (1 of 4 stars; one submission).

Conditions:
Sulfite oxidase deficiency due to molybdenum cofactor deficiency type A. Also called: Molybdenum cofactor deficiency, complementation group A; Molybdenum Cofactor Deficiency A. Identifiers: Orphanet 308386, Orphanet 833, MedGen C1854988, MONDO:0009643, OMIM 252150.

Allele frequency attached by ClinVar (database versions not stated): gnomAD exomes below 0.00001; TOPMed below 0.00001.
gnomAD v4.1: 1 of 1,601,514 alleles (0.000062%); highest among the groups gnomAD compares: Non-Finnish European, 0.000085%; no homozygotes.

Submission:

Labcorp Genetics (formerly Invitae), Labcorp
Classification: Uncertain significance for Sulfite oxidase deficiency due to molybdenum cofactor deficiency type A. Last evaluated: 2022-08-01. Review status: criteria provided, single submitter. Criteria: Invitae Variant Classification Sherloc (09022015). Collection method: clinical testing. Allele origin: germline.
Comment: In summary, the available evidence is currently insufficient to determine the role of this variant in disease. Therefore, it has been classified as a Variant of Uncertain Significance. Algorithms developed to predict the effect of missense changes on protein structure and function are either unavailable or do not agree on the potential impact of this missense change (SIFT: "Not Available"; PolyPhen-2: "Benign"; Align-GVGD: "Not Available"). This variant has not been reported in the literature in individuals affected with MOCS1-related conditions. This variant is present in population databases (no rsID available, gnomAD 0.0009%). This sequence change replaces isoleucine, which is neutral and non-polar, with threonine, which is neutral and polar, at codon 623 of the MOCS1 protein (p.Ile623Thr).